The following is an entry in ClinVar:

ClinVar aggregate classification (germline): Benign/Likely benign. Review status: criteria provided, multiple submitters, no conflicts (2 of 4 stars). 6 submissions from 6 submitters: Benign (1); Likely benign (5). Last evaluated 2025-12-02.

Conditions:
Cardiovascular phenotype. Identifiers: MedGen CN230736.
Dilated cardiomyopathy 1DD (CMD1DD). Identifiers: Orphanet 154, MedGen C2750995, MONDO:0013168, OMIM 613172.

Allele frequency attached by ClinVar (database versions not stated): gnomAD 0.00002; gnomAD exomes 0.00002 and 0.00004; TOPMed 0.00002; ExAC 0.00009.
gnomAD v4.1: 43 of 1,551,634 alleles (0.0028%); highest among the groups gnomAD compares: Middle Eastern, 0.22%; 1 homozygote.

Submissions (6):

Labcorp Genetics (formerly Invitae), Labcorp
Classification: Likely benign for Dilated cardiomyopathy 1DD. Last evaluated: 2025-12-02. Review status: criteria provided, single submitter. Criteria: Invitae Variant Classification Sherloc (09022015). Collection method: clinical testing. Allele origin: germline.

Molecular Diagnostic Laboratory for Inherited Cardiovascular Disease, Montreal Heart Institute
Classification: Likely benign. Last evaluated: 2025-04-09. Review status: criteria provided, single submitter. Criteria: ACMG Guidelines, 2015. Collection method: clinical testing. Allele origin: germline. Affected: no.

Blueprint Genetics
Classification: Likely benign. Last evaluated: 2024-10-24. Review status: criteria provided, single submitter. Criteria: ACMG Guidelines, 2015. Collection method: clinical testing. Allele origin: germline.

CeGaT Center for Human Genetics Tuebingen
Classification: Likely benign. Last evaluated: 2023-05-01. Review status: criteria provided, single submitter. Criteria: CeGaT Center For Human Genetics Tuebingen Variant Classification Criteria Version 2. Collection method: clinical testing. Allele origin: germline. Affected: yes. Observed: 1 variant allele.
Comment: RBM20: BP4, BP7

Ambry Genetics
Classification: Likely benign for Cardiovascular phenotype. Last evaluated: 2017-09-14. Review status: criteria provided, single submitter. Criteria: Ambry Variant Classification Scheme 2023. Collection method: clinical testing. Allele origin: germline.

GeneDx
Classification: Benign. Last evaluated: 2014-11-05. Review status: criteria provided, single submitter. Criteria: GeneDx Variant Classification (06012015). Collection method: clinical testing. Allele origin: germline. Affected: yes.
Comment: This variant is considered likely benign or benign based on one or more of the following criteria: it is a conservative change, it occurs at a poorly conserved position in the protein, it is predicted to be benign by multiple in silico algorithms, and/or has population frequency not consistent with disease.

NM_001134363.3(RBM20):c.1617G>T (p.Gly539=)

Gene: RBM20 (RNA binding motif protein 20; plus strand). Cytogenetic location: 10q25.2.
Variant type: single nucleotide variant.
Coding change: c.1617G>T on transcript NM_001134363.3 (MANE Select); coding-DNA position 1617, G replaced by T.
Protein change: p.Gly539=; no amino-acid change (glycine 539 retained).
Molecular consequence: synonymous variant.
Genome position (GRCh38, 1-based): chr10:110,797,597, G>T. VCF-style: chr10-110797597-G-T. GRCh37 (hg19) VCF-style: chr10-112557355-G-T.
Other names: p.G539G:GGG>GGT; c.1617G>T (LRG_382t1).
Identifiers: ClinVar variation 202045 (VCV000202045.42), dbSNP rs761674598, ClinGen allele CA335514.